The following is an entry in ClinVar:

NM_000388.4(CASR):c.1496A>G (p.Glu499Gly)

Gene: CASR (calcium sensing receptor; plus strand). Cytogenetic location: 3q21.1.
Variant type: single nucleotide variant.
Coding change: c.1496A>G on transcript NM_000388.4 (MANE Select); coding-DNA position 1496, A replaced by G.
Protein change: p.Glu499Gly; replaces glutamic acid 499 with glycine.
Molecular consequence: missense variant.
Genome position (GRCh38, 1-based): chr3:122,275,930, A>G. VCF-style: chr3-122275930-A-G. GRCh37 (hg19) VCF-style: chr3-121994777-A-G.
Other names: c.1496A>G, p.Glu499Gly (NM_001178065.2); short protein forms E499G.
Identifiers: ClinVar variation 2194402 (VCV002194402.5), dbSNP rs1471885969, ClinGen allele CA354155223.

ClinVar aggregate classification (germline): Uncertain significance. Review status: criteria provided, multiple submitters, no conflicts (2 of 4 stars). 2 submissions from 2 submitters: Uncertain significance (2). Last evaluated 2025-06-26.

Conditions:
Autosomal dominant hypocalcemia 1 (HYPOC1). Also called: HYPOCALCEMIA, FAMILIAL. Identifiers: MedGen C3715128, MONDO:0011013, OMIM 601198.
Familial hypocalciuric hypercalcemia (FHH). Also called: Familial benign hypercalcemia. Identifiers: Orphanet 405, MedGen C1809471, MONDO:0018458.
Neonatal severe primary hyperparathyroidism. Identifiers: Orphanet 417, MedGen C1832615, MONDO:0009397, OMIM 239200.
Familial hypocalciuric hypercalcemia 1. Also called: Hypercalcemia, familial benign type 1. Identifiers: Orphanet 405, Orphanet 93372, MedGen C0342637, MONDO:0007791, OMIM 145980.
Epilepsy, idiopathic generalized, susceptibility to, 8. Identifiers: MedGen C2752062, MONDO:0013032, OMIM 612899.

Allele frequency attached by ClinVar (database versions not stated): gnomAD exomes below 0.00001.
gnomAD v4.1: 2 of 1,614,136 alleles (0.00012%); highest among the groups gnomAD compares: Admixed American, 0.0033%; no homozygotes.

Submissions (2):

Labcorp Genetics (formerly Invitae), Labcorp
Classification: Uncertain significance for Familial hypocalciuric hypercalcemia; Autosomal dominant hypocalcemia 1. Last evaluated: 2025-06-26. Review status: criteria provided, single submitter. Criteria: Invitae Variant Classification Sherloc (09022015). Collection method: clinical testing. Allele origin: germline.
Comment: This sequence change replaces glutamic acid, which is acidic and polar, with glycine, which is neutral and non-polar, at codon 499 of the CASR protein (p.Glu499Gly). This variant is present in population databases (no rsID available, gnomAD 0.003%). This variant has not been reported in the literature in individuals affected with CASR-related conditions. ClinVar contains an entry for this variant (Variation ID: 2194402). An algorithm developed to predict the effect of missense changes on protein structure and function (PolyPhen-2) suggests that this variant is likely to be disruptive. In summary, the available evidence is currently insufficient to determine the role of this variant in disease. Therefore, it has been classified as a Variant of Uncertain Significance.

Fulgent Genetics
Classification: Uncertain significance for Familial hypocalciuric hypercalcemia 1; Neonatal severe primary hyperparathyroidism; Autosomal dominant hypocalcemia 1; Epilepsy, idiopathic generalized, susceptibility to, 8. Last evaluated: 2024-04-28. Review status: criteria provided, single submitter. Criteria: ACMG Guidelines, 2015. Collection method: clinical testing. Allele origin: germline.